The following is an entry in ClinVar:

NM_001354604.2(MITF):c.1547G>C (p.Ser516Thr)

Gene: MITF (melanocyte inducing transcription factor; plus strand). Cytogenetic location: 3p13.
Variant type: single nucleotide variant.
Coding change: c.1547G>C on transcript NM_001354604.2 (MANE Select); coding-DNA position 1547, G replaced by C.
Protein change: p.Ser516Thr; replaces serine 516 with threonine.
Molecular consequence: missense variant.
Genome position (GRCh38, 1-based): chr3:69,965,214, G>C. VCF-style: chr3-69965214-G-C. GRCh37 (hg19) VCF-style: chr3-70014365-G-C.
Other names: c.1226G>C, p.Ser409Thr (NM_000248.4); c.1373G>C, p.Ser458Thr (NM_001184967.2, NM_001354608.2); c.1544G>C, p.Ser515Thr (NM_001354605.2); c.1526G>C, p.Ser509Thr (NM_001354606.2, NM_006722.3); c.1478G>C, p.Ser493Thr (NM_001354607.2); c.1208G>C, p.Ser403Thr (NM_198158.3); c.1529G>C, p.Ser510Thr (NM_198159.3); c.1481G>C, p.Ser494Thr (NM_198177.3); and 1 more; short protein forms S347T, S403T, S409T, S458T, S493T, S494T, S509T, S510T.
Identifiers: ClinVar variation 3749656 (VCV003749656.3).

ClinVar aggregate classification (germline): Uncertain significance. Review status: criteria provided, multiple submitters, no conflicts (2 of 4 stars). 2 submissions from 2 submitters: Uncertain significance (2). Last evaluated 2025-09-18.

Conditions:
Hereditary cancer-predisposing syndrome. Also called: Tumor predisposition; Hereditary Cancer Syndrome; Hereditary neoplastic syndrome; Neoplastic Syndromes, Hereditary. Identifiers: Orphanet 140162, MedGen C0027672, MeSH D009386, MONDO:0015356.
Melanoma, cutaneous malignant, susceptibility to, 8. Also called: Cutaneous malignant melanoma 8; MELANOMA AND RENAL CELL CARCINOMA, SUSCEPTIBILITY TO. Identifiers: Orphanet 293822, MedGen C3152204, MONDO:0013759, OMIM 614456.
Tietz syndrome (TADS). Also called: HYPOPIGMENTATION/DEAFNESS OF TIETZ; TIETZ ALBINISM-DEAFNESS SYNDROME; ALBINISM-DEAFNESS OF TIETZ. Identifiers: Orphanet 42665, MedGen C0391816, MONDO:0007077, OMIM 103500.
Waardenburg syndrome type 2A (WS2A). Also called: WAARDENBURG SYNDROME WITHOUT DYSTOPIA CANTHORUM. Identifiers: Orphanet 3440, MedGen C1860339, MONDO:0008671, OMIM 193510.

gnomAD v4.1: 3 of 1,613,976 alleles (0.00019%); highest among the groups gnomAD compares: Admixed American, 0.005%; no homozygotes.

Submissions (2):

Labcorp Genetics (formerly Invitae), Labcorp
Classification: Uncertain significance for Melanoma, cutaneous malignant, susceptibility to, 8; Waardenburg syndrome type 2A; Tietz syndrome. Last evaluated: 2025-09-18. Review status: criteria provided, single submitter. Criteria: Invitae Variant Classification Sherloc (09022015). Collection method: clinical testing. Allele origin: germline.
Comment: This sequence change replaces serine, which is neutral and polar, with threonine, which is neutral and polar, at codon 409 of the MITF protein (p.Ser409Thr). This variant is present in population databases (rs756063005, gnomAD 0.003%). This variant has not been reported in the literature in individuals affected with MITF-related conditions. ClinVar contains an entry for this variant (Variation ID: 3749656). Invitae Evidence Modeling of protein sequence and biophysical properties (such as structural, functional, and spatial information, amino acid conservation, physicochemical variation, residue mobility, and thermodynamic stability) indicates that this missense variant is expected to disrupt MITF protein function with a positive predictive value of 80%. In summary, the available evidence is currently insufficient to determine the role of this variant in disease. Therefore, it has been classified as a Variant of Uncertain Significance.

Ambry Genetics
Classification: Uncertain significance for Hereditary cancer-predisposing syndrome. Last evaluated: 2025-01-23. Review status: criteria provided, single submitter. Criteria: Ambry Variant Classification Scheme 2023. Collection method: clinical testing. Allele origin: germline.
Comment: The p.S409T variant (also known as c.1226G>C), located in coding exon 9 of the MITF gene, results from a G to C substitution at nucleotide position 1226. The serine at codon 409 is replaced by threonine, an amino acid with similar properties. This amino acid position is conserved. In addition, the in silico prediction for this alteration is inconclusive. Based on the available evidence, the clinical significance of this variant remains unclear.